The following is an entry in ClinVar:

ClinVar aggregate classification (germline): Uncertain significance (1 of 4 stars; one submission).

Conditions:
Charcot-Marie-Tooth disease type 2. Also called: Charcot-Marie-Tooth type 2. Identifiers: Orphanet 64746, MedGen C0270914, MONDO:0018993.

Allele frequency attached by ClinVar (database versions not stated): TOPMed below 0.00001.

Submission:

Labcorp Genetics (formerly Invitae), Labcorp
Classification: Uncertain significance for Charcot-Marie-Tooth disease type 2. Last evaluated: 2022-08-22. Review status: criteria provided, single submitter. Criteria: Invitae Variant Classification Sherloc (09022015). Collection method: clinical testing. Allele origin: germline.
Comment: This sequence change replaces phenylalanine, which is neutral and non-polar, with cysteine, which is neutral and slightly polar, at codon 57 of the MED25 protein (p.Phe57Cys). This variant is not present in population databases (gnomAD no frequency). This variant has not been reported in the literature in individuals affected with MED25-related conditions. Algorithms developed to predict the effect of missense changes on protein structure and function are either unavailable or do not agree on the potential impact of this missense change (SIFT: "Deleterious"; PolyPhen-2: "Possibly Damaging"; Align-GVGD: "Class C0"). In summary, the available evidence is currently insufficient to determine the role of this variant in disease. Therefore, it has been classified as a Variant of Uncertain Significance.

NM_030973.4(MED25):c.170T>G (p.Phe57Cys)

Gene: MED25 (mediator complex subunit 25; plus strand). Cytogenetic location: 19q13.33.
Variant type: single nucleotide variant.
Coding change: c.170T>G on transcript NM_030973.4 (MANE Select); coding-DNA position 170, T replaced by G.
Protein change: p.Phe57Cys; replaces phenylalanine 57 with cysteine.
Molecular consequence: missense variant.
Genome position (GRCh38, 1-based): chr19:49,818,606, T>G. VCF-style: chr19-49818606-T-G. GRCh37 (hg19) VCF-style: chr19-50321863-T-G.
Other names: c.170T>G, p.Phe57Cys (NM_001378355.1); short protein forms F57C.
Identifiers: ClinVar variation 2143727 (VCV002143727.1), dbSNP rs2073956256, ClinGen allele CA406908927.